The following is an entry in ClinVar:

ClinVar aggregate classification (germline): Likely pathogenic (1 of 4 stars; one submission).

Conditions:
Long chain 3-hydroxyacyl-CoA dehydrogenase deficiency. Also called: LCHAD Deficiency; Deficiency of long-chain 3-hydroxyacyl-coenzyme A dehydrogenase. Identifiers: Orphanet 5, MedGen C3711645, MONDO:0012173, OMIM 609016.

Submission:

Myriad Genetics, Inc.
Classification: Likely pathogenic for Long chain 3-hydroxyacyl-CoA dehydrogenase deficiency. Last evaluated: 2020-03-03. Review status: criteria provided, single submitter. Criteria: Myriad Autosomal Dominant, Autosomal Recessive and X-Linked Classification Criteria (2023). Collection method: clinical testing. Allele origin: unknown.
Comment: NM_000182.4(HADHA):c.640A>T(K214*) is expected to be pathogenic in the context of HADHA-related disorders. This variant is predicted to lead to an abnormal or absent protein product due to the creation of a premature termination codon in HADHA, a gene where loss-of-function variants are known to be pathogenic. Please note: this variant was assessed in the context of healthy population screening.

NM_000182.5(HADHA):c.640A>T (p.Lys214Ter)

Gene: HADHA (hydroxyacyl-CoA dehydrogenase trifunctional multienzyme complex subunit alpha; minus strand). Cytogenetic location: 2p23.3.
Variant type: single nucleotide variant.
Coding change: c.640A>T on transcript NM_000182.5 (MANE Select); coding-DNA position 640, A replaced by T.
Protein change: p.Lys214Ter; replaces lysine 214 with a stop codon.
Molecular consequence: nonsense.
Genome position (GRCh38, 1-based): chr2:26,230,228, T>A on the plus strand (A>T on the coding strand, the complement: HADHA is on the minus strand). VCF-style: chr2-26230228-T-A. GRCh37 (hg19) VCF-style: chr2-26453096-T-A.
Other names: short protein forms K214*.
Identifiers: ClinVar variation 983589 (VCV000983589.4), dbSNP rs1670589674, ClinGen allele CA346092299.